The following is an entry in ClinVar:

NM_001379270.1(CNGA1):c.1729C>A (p.Leu577Ile)

Genes: CNGA1 (cyclic nucleotide gated channel subunit alpha 1; minus strand), LOC101927157 (uncharacterized LOC101927157; plus strand). Cytogenetic location: 4p12.
Variant type: single nucleotide variant.
Coding change: c.1729C>A on transcript NM_001379270.1 (MANE Select); coding-DNA position 1729, C replaced by A.
Protein change: p.Leu577Ile; replaces leucine 577 with isoleucine.
Molecular consequence: missense variant.
Genome position (GRCh38, 1-based): chr4:47,936,753, G>T on the plus strand (C>A on the coding strand, the complement: CNGA1 is on the minus strand). VCF-style: chr4-47936753-G-T. GRCh37 (hg19) VCF-style: chr4-47938770-G-T.
Other names: c.1729C>A, p.Leu577Ile (NM_000087.5, NM_001142564.2); short protein forms L577I.
Identifiers: ClinVar variation 1520592 (VCV001520592.3), dbSNP rs1352342372, ClinGen allele CA356824120.

ClinVar aggregate classification (germline): Uncertain significance (1 of 4 stars; one submission).

Allele frequency attached by ClinVar (database versions not stated): gnomAD exomes below 0.00001.
gnomAD v4.1: 2 of 1,614,102 alleles (0.00012%); highest among the groups gnomAD compares: Admixed American, 0.0017%; no homozygotes.

Submission:

Labcorp Genetics (formerly Invitae), Labcorp
Classification: Uncertain significance. Last evaluated: 2021-08-25. Review status: criteria provided, single submitter. Criteria: Invitae Variant Classification Sherloc (09022015). Collection method: clinical testing. Allele origin: germline.
Comment: This sequence change replaces leucine with isoleucine at codon 581 of the CNGA1 protein (p.Leu581Ile). The leucine residue is highly conserved and there is a small physicochemical difference between leucine and isoleucine. This variant is not present in population databases (ExAC no frequency). This variant has not been reported in the literature in individuals affected with CNGA1-related conditions. Algorithms developed to predict the effect of missense changes on protein structure and function are either unavailable or do not agree on the potential impact of this missense change (SIFT: "Deleterious"; PolyPhen-2: "Probably Damaging"; Align-GVGD: "Class C0"). In summary, the available evidence is currently insufficient to determine the role of this variant in disease. Therefore, it has been classified as a Variant of Uncertain Significance.